The following is an entry in ClinVar:

NM_025137.4(SPG11):c.1273A>G (p.Ile425Val)

Gene: SPG11 (SPG11 vesicle trafficking associated, spatacsin; minus strand). Cytogenetic location: 15q21.1.
Variant type: single nucleotide variant.
Coding change: c.1273A>G on transcript NM_025137.4 (MANE Select); coding-DNA position 1273, A replaced by G.
Protein change: p.Ile425Val; replaces isoleucine 425 with valine.
Molecular consequence: missense variant.
Genome position (GRCh38, 1-based): chr15:44,651,674, T>C on the plus strand (A>G on the coding strand, the complement: SPG11 is on the minus strand). VCF-style: chr15-44651674-T-C. GRCh37 (hg19) VCF-style: chr15-44943872-T-C.
Other names: c.1273A>G, p.Ile425Val (NM_001160227.2); short protein forms I425V.
Identifiers: ClinVar variation 582628 (VCV000582628.6), dbSNP rs746799947, ClinGen allele CA7535583.

ClinVar aggregate classification (germline): Uncertain significance (1 of 4 stars; one submission).

Conditions:
Hereditary spastic paraplegia 11. Also called: Spastic paraplegia, mental retardation and thin corpus callosum; SPASTIC PARAPLEGIA, AUTOSOMAL RECESSIVE, COMPLICATED, WITH THIN CORPUS CALLOSUM; SPASTIC PARAPLEGIA, AUTOSOMAL RECESSIVE, WITH MENTAL IMPAIRMENT AND THIN CORPUS CALLOSUM; Spastic Paraplegia 11; Nakamura Osame syndrome; Autosomal recessive hereditary spastic paraplegia, mental impairment, and thin corpus callosum. Identifiers: Orphanet 2822, MedGen C1858479, MONDO:0011445, OMIM 604360.

Allele frequency attached by ClinVar (database versions not stated): TOPMed below 0.00001; ExAC 0.00001; gnomAD exomes 0.00001; gnomAD 0.00003; 1000 Genomes Project 30x 0.00016.

Submission:

Labcorp Genetics (formerly Invitae), Labcorp
Classification: Uncertain significance for Hereditary spastic paraplegia 11. Last evaluated: 2024-06-30. Review status: criteria provided, single submitter. Criteria: Invitae Variant Classification Sherloc (09022015). Collection method: clinical testing. Allele origin: germline.
Comment: This sequence change replaces isoleucine, which is neutral and non-polar, with valine, which is neutral and non-polar, at codon 425 of the SPG11 protein (p.Ile425Val). This variant is present in population databases (rs746799947, gnomAD 0.002%). This variant has not been reported in the literature in individuals affected with SPG11-related conditions. ClinVar contains an entry for this variant (Variation ID: 582628). Advanced modeling of protein sequence and biophysical properties (such as structural, functional, and spatial information, amino acid conservation, physicochemical variation, residue mobility, and thermodynamic stability) performed at Invitae indicates that this missense variant is not expected to disrupt SPG11 protein function with a negative predictive value of 80%. In summary, the available evidence is currently insufficient to determine the role of this variant in disease. Therefore, it has been classified as a Variant of Uncertain Significance.